The following is an entry in ClinVar:

NM_000264.5(PTCH1):c.1706C>T (p.Ala569Val)

Gene: PTCH1 (patched 1; minus strand). Cytogenetic location: 9q22.32.
Variant type: single nucleotide variant.
Coding change: c.1706C>T on transcript NM_000264.5 (MANE Select); coding-DNA position 1706, C replaced by T.
Protein change: p.Ala569Val; replaces alanine 569 with valine.
Molecular consequence: missense variant. On other transcripts: non-coding transcript variant (1).
Genome position (GRCh38, 1-based): chr9:95,476,056, G>A on the plus strand (C>T on the coding strand, the complement: PTCH1 is on the minus strand). VCF-style: chr9-95476056-G-A. GRCh37 (hg19) VCF-style: chr9-98238338-G-A.
Other names: c.1508C>T, p.Ala503Val (NM_001083602.3); c.1703C>T, p.Ala568Val (NM_001083603.3); c.1253C>T, p.Ala418Val (NM_001083604.3, NM_001083605.3, NM_001083606.3 and 1 more transcripts); c.1550C>T, p.Ala517Val (NM_001354918.2); short protein forms A517V, A568V, A569V, A418V, A503V.
Identifiers: ClinVar variation 2001556 (VCV002001556.4), dbSNP rs766973191, ClinGen allele CA5138577.

ClinVar aggregate classification (germline): Uncertain significance (1 of 4 stars; one submission).

Conditions:
Gorlin syndrome. Also called: Basal cell nevus syndrome; Nevoid Basal Cell Carcinoma Syndrome. Identifiers: Orphanet 377, MedGen C0004779, MONDO:0007187.

Allele frequency attached by ClinVar (database versions not stated): gnomAD exomes below 0.00001; ExAC 0.00001.

Submission:

Labcorp Genetics (formerly Invitae), Labcorp
Classification: Uncertain significance for Gorlin syndrome. Last evaluated: 2024-09-24. Review status: criteria provided, single submitter. Criteria: Invitae Variant Classification Sherloc (09022015). Collection method: clinical testing. Allele origin: germline.
Comment: This sequence change replaces alanine, which is neutral and non-polar, with valine, which is neutral and non-polar, at codon 569 of the PTCH1 protein (p.Ala569Val). This variant is present in population databases (rs766973191, gnomAD 0.003%). This variant has not been reported in the literature in individuals affected with PTCH1-related conditions. ClinVar contains an entry for this variant (Variation ID: 2001556). Invitae Evidence Modeling of protein sequence and biophysical properties (such as structural, functional, and spatial information, amino acid conservation, physicochemical variation, residue mobility, and thermodynamic stability) indicates that this missense variant is not expected to disrupt PTCH1 protein function with a negative predictive value of 95%. This variant disrupts the p.Ala569 amino acid residue in PTCH1. Other variant(s) that disrupt this residue have been determined to be pathogenic (internal data). This suggests that this residue is clinically significant, and that variants that disrupt this residue are likely to be disease-causing. In summary, the available evidence is currently insufficient to determine the role of this variant in disease. Therefore, it has been classified as a Variant of Uncertain Significance.